The following is an entry in ClinVar:

NM_014334.4(FRRS1L):c.-2G>A

Gene: FRRS1L (ferric chelate reductase 1 like; minus strand). Cytogenetic location: 9q31.3.
Variant type: single nucleotide variant.
Coding change: c.-2G>A on transcript NM_014334.4 (MANE Select); 2 bases upstream of the start codon, G replaced by A.
Molecular consequence: 5 prime UTR variant.
Genome position (GRCh38, 1-based): chr9:109,167,140, C>T on the plus strand (G>A on the coding strand, the complement: FRRS1L is on the minus strand). VCF-style: chr9-109167140-C-T. GRCh37 (hg19) VCF-style: chr9-111929420-C-T.
Identifiers: ClinVar variation 2418091 (VCV002418091.9), dbSNP rs10979723, ClinGen allele CA374430719.

ClinVar aggregate classification (germline): Uncertain significance (1 of 4 stars; one submission).

Conditions:
Developmental and epileptic encephalopathy, 37 (DEE37). Also called: Epileptic encephalopathy, early infantile, 37. Identifiers: MedGen C4310770, MONDO:0014859, OMIM 616981.

Submission:

Labcorp Genetics (formerly Invitae), Labcorp
Classification: Uncertain significance for Developmental and epileptic encephalopathy, 37. Last evaluated: 2022-04-07. Review status: criteria provided, single submitter. Criteria: Invitae Variant Classification Sherloc (09022015). Collection method: clinical testing. Allele origin: germline.
Comment: In summary, the available evidence is currently insufficient to determine the role of this variant in disease. Therefore, it has been classified as a Variant of Uncertain Significance. Algorithms developed to predict the effect of missense changes on protein structure and function are either unavailable or do not agree on the potential impact of this missense change (SIFT: "Tolerated"; PolyPhen-2: "Not Available"; Align-GVGD: "Class C0"). This variant has not been reported in the literature in individuals affected with FRRS1L-related conditions. The frequency data for this variant in the population databases is considered unreliable, as metrics indicate insufficient coverage at this position in the gnomAD database. This sequence change replaces arginine, which is basic and polar, with glutamine, which is neutral and polar, at codon 51 of the FRRS1L protein (p.Arg51Gln).